The following is an entry in ClinVar:

NM_005431.2(XRCC2):c.619G>C (p.Glu207Gln)

Gene: XRCC2 (X-ray repair cross complementing 2; minus strand). Cytogenetic location: 7q36.1.
Variant type: single nucleotide variant.
Coding change: c.619G>C on transcript NM_005431.2 (MANE Select); coding-DNA position 619, G replaced by C.
Protein change: p.Glu207Gln; replaces glutamic acid 207 with glutamine.
Molecular consequence: missense variant.
Genome position (GRCh38, 1-based): chr7:152,648,866, C>G on the plus strand (G>C on the coding strand, the complement: XRCC2 is on the minus strand). VCF-style: chr7-152648866-C-G. GRCh37 (hg19) VCF-style: chr7-152345951-C-G.
Other names: short protein forms E207Q.
Identifiers: ClinVar variation 1057099 (VCV001057099.10), dbSNP rs779225995, ClinGen allele CA4582320.
Genomic context (GRCh38, chr7:152,648,866, plus strand): 5'-GATAAGGTCTGTAGTCTATGTCCACATCACACAGTCGTCGAGAGGCATGAGAAGGTTCTT[C>G]TGATGAGCTCGAGGCTTTCTGCATTATAGTTTGTGTCGTTGCAAAAAGAACCAGGCGATA-3'
Protein context (NP_005422.1, residues 197-217): TIMQKASSSS[Glu207Gln]EPSHASRRLC

ClinVar aggregate classification (germline): Uncertain significance. Review status: criteria provided, multiple submitters, no conflicts (2 of 4 stars). 2 submissions from 2 submitters: Uncertain significance (2). Last evaluated 2025-07-03.

Conditions:
Hereditary cancer-predisposing syndrome. Also called: Hereditary Cancer Syndrome; Tumor predisposition; Hereditary neoplastic syndrome; Neoplastic Syndromes, Hereditary. Identifiers: Orphanet 140162, MedGen C0027672, MeSH D009386, MONDO:0015356.

Allele frequency attached by ClinVar (database versions not stated): gnomAD exomes below 0.00001; ExAC 0.00001.
gnomAD v4.1: 14 of 1,613,968 alleles (0.00087%); highest among the groups gnomAD compares: Non-Finnish European, 0.0012%; no homozygotes.

Submissions (2):

Ambry Genetics
Classification: Uncertain significance for Hereditary cancer-predisposing syndrome. Last evaluated: 2025-07-03. Review status: criteria provided, single submitter. Criteria: Ambry Variant Classification Scheme 2023. Collection method: clinical testing. Allele origin: germline.

Labcorp Genetics (formerly Invitae), Labcorp
Classification: Uncertain significance. Last evaluated: 2024-04-22. Review status: criteria provided, single submitter. Criteria: Invitae Variant Classification Sherloc (09022015). Collection method: clinical testing. Allele origin: germline.
Comment: This sequence change replaces glutamic acid, which is acidic and polar, with glutamine, which is neutral and polar, at codon 207 of the XRCC2 protein (p.Glu207Gln). This variant is present in population databases (rs779225995, gnomAD 0.0009%). This variant has not been reported in the literature in individuals affected with XRCC2-related conditions. ClinVar contains an entry for this variant (Variation ID: 1057099). Advanced modeling of protein sequence and biophysical properties (such as structural, functional, and spatial information, amino acid conservation, physicochemical variation, residue mobility, and thermodynamic stability) performed at Invitae indicates that this missense variant is not expected to disrupt XRCC2 protein function with a negative predictive value of 80%. In summary, the available evidence is currently insufficient to determine the role of this variant in disease. Therefore, it has been classified as a Variant of Uncertain Significance.